The following is an entry in ClinVar:

NM_001267550.2(TTN):c.7365_7374del (p.Asn2455fs)

Genes: TTN (titin; minus strand), LOC126806433 (BRD4-independent group 4 enhancer GRCh37_chr2:179638309-179639508; plus strand). Cytogenetic location: 2q31.2.
Variant type: Deletion.
Coding change: c.7365_7374del on transcript NM_001267550.2 (MANE Select); coding-DNA positions 7365 to 7374, 10 bases deleted (TGTGATTGAA; older notation c.7365_7374delTGTGATTGAA).
Protein change: p.Asn2455fs; shifts the reading frame from asparagine 2455.
Molecular consequence: frameshift variant.
Genome position (GRCh38, 1-based): chr2:178,773,682-178,773,691, TTCAATCACA deleted on the plus strand (TGTGATTGAA on the coding strand, the reverse complement: TTN is on the minus strand); deleting any 10 consecutive bases within chr2:178,773,682-178,773,693 gives the same sequence; the c. name uses the placement nearest the transcript's 3' end. VCF-style (leftmost placement, unchanged base first): chr2-178773681-CTTCAATCACA-C. GRCh37 (hg19) VCF-style: chr2-179638408-CTTCAATCACA-C.
Other names: c.7365_7374delTGTGATTGAA (NM_001256850.1); c.7365_7374del, p.Asn2455fs (NM_001256850.1, NM_133378.4, NM_133379.5); c.7227_7236del, p.Asn2409fs (NM_003319.4, NM_133432.3, NM_133437.4); c.7227_7236del10 (NM_003319.4); short protein forms N2409fs, N2455fs.
Identifiers: ClinVar variation 202544 (VCV000202544.8), dbSNP rs794729397, ClinGen allele CA309548.
Genomic context (GRCh38, chr2:178,773,681, plus strand): 5'-ACCACTTAACAGAAGTCACATCAGGGACTGACACCTTACATTCAAGCACAGCCTTGGTGC[CTTCAATCACA>C]TTAACATCTTTTAGAGGTGTTATCACGTCCACACCTGCAAAATCATACACACACAAGATG-3'

ClinVar aggregate classification (germline): Conflicting classifications of pathogenicity. Review status: criteria provided, conflicting classifications (1 of 4 stars). 3 submissions from 3 submitters: Likely pathogenic (2); Uncertain significance (1). Last evaluated 2025-04-20.

Conditions:
Cardiovascular phenotype. Identifiers: MedGen CN230736.
Dilated cardiomyopathy 1G (CMD1G). Identifiers: Orphanet 154, MedGen C1858763, MONDO:0011400, OMIM 604145.
Autosomal recessive limb-girdle muscular dystrophy type 2J (LGMDR10). Also called: MUSCULAR DYSTROPHY, LIMB-GIRDLE, AUTOSOMAL RECESSIVE 10; Limb-girdle muscular dystrophy, type 2J. Identifiers: Orphanet 140922, MedGen C1837342, MONDO:0012127, OMIM 608807.

Submissions (3):

Labcorp Genetics (formerly Invitae), Labcorp
Classification: Likely pathogenic for Dilated cardiomyopathy 1G; Autosomal recessive limb-girdle muscular dystrophy type 2J. Last evaluated: 2025-04-20. Review status: criteria provided, single submitter. Criteria: Invitae Variant Classification Sherloc (09022015). Collection method: clinical testing. Allele origin: germline.
Comment: This sequence change creates a premature translational stop signal (p.Asn2455Lysfs*16) in the TTN gene. While this is not anticipated to result in nonsense mediated decay, it is expected to create a truncated TTN protein. This variant is not present in population databases (gnomAD no frequency). This variant has not been reported in the literature in individuals affected with TTN-related conditions. ClinVar contains an entry for this variant (Variation ID: 202544). This variant is located in the I band of TTN (PMID: 25589632). Truncating variants in this region have been reported in individuals affected with autosomal recessive centronuclear myopathy (PMID: 23975875, internal data). Truncating variants in this region have also been identified in individuals affected with autosomal dominant dilated cardiomyopathy and/or cardio-related conditions (PMID: 27869827, 32964742, internal data). In summary, the currently available evidence indicates that the variant is pathogenic, but additional data are needed to prove that conclusively. Therefore, this variant has been classified as Likely Pathogenic.

Ambry Genetics
Classification: Likely pathogenic for Cardiovascular phenotype. Last evaluated: 2022-04-07. Review status: criteria provided, single submitter. Criteria: Ambry Variant Classification Scheme 2023. Collection method: clinical testing. Allele origin: germline.
Comment: The c.7227_7236del10 variant, located in coding exon 30 of the TTN gene, results from a deletion of 10 nucleotides at nucleotide positions 7227 to 7236, causing a translational frameshift with a predicted alternate stop codon (p.N2409Kfs*16).This exon is located in the I-band region of the N2-B isoform of the titin protein and is constitutively expressed in TTN transcripts (percent spliced in or PSI 100%). This variant is considered to be rare based on population cohorts in the Genome Aggregation Database (gnomAD). This alteration is expected to result in loss of function by premature protein truncation or nonsense-mediated mRNA decay. While truncating variants in TTN are present in 1-3% of the general population, truncating variants in the A-band are the most common cause of dilated cardiomyopathy (DCM) (Herman DS et al. N. Engl. J. Med., 2012 Feb;366:619-28; Roberts AM et al. Sci Transl Med, 2015 Jan;7:270ra6). TTN truncating variants encoded in constitutive exons (PSI >90%) have been found to be significantly associated with DCM regardless of their position in titin (Schafer S et al. Nat. Genet., 2017 01;49:46-53). As such, this alteration is classified as likely pathogenic.

GeneDx
Classification: Uncertain significance. Last evaluated: 2014-12-17. Review status: criteria provided, single submitter. Criteria: GeneDx Variant Classification (06012015). Collection method: clinical testing. Allele origin: germline. Affected: yes.
Comment: c.7365_7374delTGTGATTGAA: p.Asn2455LysfsX16 (N2455KfsX16) in exon 32 of the TTN gene (NM_001256850.1). The normal sequence with the bases that are deleted in braces is: TTAA{TGTGATTGAA}GGCA. Although the c.7365_7374delTGTGATTGAA variant in the TTN gene has not been reported to our knowledge, this mutation causes a shift in reading frame starting at codon Asparagine 2455, changing it to a Lysine, and creating a premature stop codon at position 16 of the new reading frame, denoted p.Asn2455LysfsX16. This mutation is expected to result in either an abnormal, truncated protein product or loss of protein from this allele through nonsense-mediated mRNA decay. Additionally, the c.7365_7374delTGTGATTGAA variant was not observed in approximately 6,500 individuals of European and African American ancestry in the NHLBI Exome Sequencing Project, indicating it is not a common benign variant in these populations. However, truncating variants in the TTN gene have been reported in approximately 3% of reported control alleles (Herman D et al., 2012). Additionally, this variant is not located in the A-band region of titin, where the majority of mutations associated with DCM have been reported (Herman D et al., 2012). Therefore, based on the currently available information, it is unclear whether this variant is a pathogenic mutation or a rare benign variant. The variant is found in CARDIOMYOPATHY panel(s).

Literature cited by the submitters: PubMed 25589632 (cited by Labcorp Genetics (formerly Invitae), Labcorp); PubMed 23975875 (cited by Labcorp Genetics (formerly Invitae), Labcorp); PubMed 27869827 (cited by Labcorp Genetics (formerly Invitae), Labcorp); PubMed 32964742 (cited by Labcorp Genetics (formerly Invitae), Labcorp).